The following is an entry in ClinVar:

NM_001041.4(SI):c.4199G>A (p.Ser1400Asn)

Gene: SI (sucrase-isomaltase; minus strand). Cytogenetic location: 3q26.1.
Variant type: single nucleotide variant.
Coding change: c.4199G>A on transcript NM_001041.4 (MANE Select); coding-DNA position 4199, G replaced by A.
Protein change: p.Ser1400Asn; replaces serine 1400 with asparagine.
Molecular consequence: missense variant.
Genome position (GRCh38, 1-based): chr3:165,007,979, C>T on the plus strand (G>A on the coding strand, the complement: SI is on the minus strand). VCF-style: chr3-165007979-C-T. GRCh37 (hg19) VCF-style: chr3-164725767-C-T.
Other names: short protein forms S1400N.
Identifiers: ClinVar variation 1990273 (VCV001990273.5), dbSNP rs753033212, ClinGen allele CA2689977.
Genomic context (GRCh38, chr3:165,007,979, plus strand): 5'-TAAGGTGGATAATTTAGTTCGTCATTTCTGCATTGATTAGTAGTTGTTCCATTTACAAAA[C>T]TTGATGGCTCATTCATATCCTTAAAAAAAGATGAAAGAAAAAGGTAAACAAAAGATAAAT-3'
Protein context (NP_001032.2, residues 1390-1410): GLWIDMNEPS[Ser1400Asn]FVNGTTTNQC

ClinVar aggregate classification (germline): Uncertain significance. Review status: criteria provided, multiple submitters, no conflicts (2 of 4 stars). 2 submissions from 2 submitters: Uncertain significance (2). Last evaluated 2024-01-09.

Conditions:
Sucrase-isomaltase deficiency (CSID). Also called: Congenital sucrose isomaltose malabsorption; Sucrose isomaltose enzyme deficiency; SI DEFICIENCY; Deficiency of isomaltase. Identifiers: Orphanet 35122, MedGen C1283620, MONDO:0009114, OMIM 222900.

Allele frequency attached by ClinVar (database versions not stated): gnomAD exomes 0.00001; ExAC 0.00002; TOPMed 0.00002.
gnomAD v4.1: 10 of 1,576,794 alleles (0.00063%); highest among the groups gnomAD compares: East Asian, 0.023%; no homozygotes.

Submissions (2):

Fulgent Genetics
Classification: Uncertain significance for Sucrase-isomaltase deficiency. Last evaluated: 2024-01-09. Review status: criteria provided, single submitter. Criteria: ACMG Guidelines, 2015. Collection method: clinical testing. Allele origin: germline.

Labcorp Genetics (formerly Invitae), Labcorp
Classification: Uncertain significance. Last evaluated: 2022-06-18. Review status: criteria provided, single submitter. Criteria: Invitae Variant Classification Sherloc (09022015). Collection method: clinical testing. Allele origin: germline.
Comment: In summary, the available evidence is currently insufficient to determine the role of this variant in disease. Therefore, it has been classified as a Variant of Uncertain Significance. Advanced modeling of protein sequence and biophysical properties (such as structural, functional, and spatial information, amino acid conservation, physicochemical variation, residue mobility, and thermodynamic stability) performed at Invitae indicates that this missense variant is not expected to disrupt SI protein function. This variant has not been reported in the literature in individuals affected with SI-related conditions. This variant is present in population databases (rs753033212, gnomAD 0.03%). This sequence change replaces serine, which is neutral and polar, with asparagine, which is neutral and polar, at codon 1400 of the SI protein (p.Ser1400Asn).